The following is an entry in ClinVar:

ClinVar aggregate classification (germline): Uncertain significance (1 of 4 stars; one submission).

Conditions:
RASopathy. Also called: rasopathies; Noonan spectrum disorder. Identifiers: Orphanet 536391, MedGen C5555857, MONDO:0021060.

Submission:

Labcorp Genetics (formerly Invitae), Labcorp
Classification: Uncertain significance for RASopathy. Last evaluated: 2024-07-23. Review status: criteria provided, single submitter. Criteria: Invitae Variant Classification Sherloc (09022015). Collection method: clinical testing. Allele origin: germline.
Comment: This sequence change creates a premature translational stop signal (p.Leu219Serfs*107) in the MAP2K2 gene. It is expected to result in an absent or disrupted protein product. However, the current clinical and genetic evidence is not sufficient to establish whether loss-of-function variants in MAP2K2 cause disease. This variant is present in population databases (no rsID available, gnomAD 0.007%). This variant has not been reported in the literature in individuals affected with MAP2K2-related conditions. Algorithms developed to predict the effect of sequence changes on RNA splicing suggest that this variant may disrupt the consensus splice site. In summary, the available evidence is currently insufficient to determine the role of this variant in disease. Therefore, it has been classified as a Variant of Uncertain Significance.

NM_030662.4(MAP2K2):c.655_658del (p.Leu219fs)

Gene: MAP2K2 (mitogen-activated protein kinase kinase 2; minus strand). Cytogenetic location: 19p13.3.
Variant type: Deletion.
Coding change: c.655_658del on transcript NM_030662.4 (MANE Select); coding-DNA positions 655 to 658, 4 bases deleted (CTCA; older notation c.655_658delCTCA).
Protein change: p.Leu219fs; shifts the reading frame from leucine 219.
Molecular consequence: frameshift variant.
Genome position (GRCh38, 1-based): chr19:4,101,066-4,101,069, TGAG deleted on the plus strand (CTCA on the coding strand, the reverse complement: MAP2K2 is on the minus strand). VCF-style (leftmost placement, unchanged base first): chr19-4101065-ATGAG-A. GRCh37 (hg19) VCF-style: chr19-4101063-ATGAG-A.
Other names: short protein forms L219fs.
Identifiers: ClinVar variation 3634134 (VCV003634134.2).
Genomic context (GRCh38, chr19:4,101,065, plus strand): 5'-CAGCGGGGACTCACAGCCATGTAGGAGCGCGTGCCCACGAAGGAGTTGGCCATGGAGTCG[ATGAG>A]CTGGCCGCTCACCCCGAAGTCACACAGCTTGATCTCCCCTCTAGAGTTCACGAGGATGTT-3'